The following is an entry in ClinVar:

NM_001163435.3(TBCK):c.1223_1229delinsT (p.Gln408_Asn410delinsLeu)

Gene: TBCK (TBC1 domain containing kinase; minus strand). Cytogenetic location: 4q24.
Variant type: Indel.
Coding change: c.1223_1229delinsT on transcript NM_001163435.3 (MANE Select); coding-DNA positions 1223 to 1229, AGTCTAA replaced by T.
Protein change: p.Gln408_Asn410delinsLeu.
Molecular consequence: inframe indel.
Genome position (GRCh38, 1-based): chr4:106,236,511-106,236,517, TTAGACT replaced by A on the plus strand (AGTCTAA replaced by T on the coding strand, the reverse complement: TBCK is on the minus strand). VCF-style: chr4-106236511-TTAGACT-A. GRCh37 (hg19) VCF-style: chr4-107157668-TTAGACT-A.
Other names: c.1223_1229delinsT, p.Gln408_Asn410delinsLeu (NM_001163436.4); c.1106_1112delinsT, p.Gln369_Asn371delinsLeu (NM_001163437.3); c.707_713delinsT, p.Gln236_Asn238delinsLeu (NM_001290768.2); c.1034_1040delinsT, p.Gln345_Asn347delinsLeu (NM_033115.5).
Identifiers: ClinVar variation 4535550 (VCV004535550.1).
Genomic context (GRCh38, chr4:106,236,511, plus strand): 5'-ATGATTAAAGGGAGCGTGGCAGCTGCAGACAACTCATTATTGCTGTTTGAATGAGGTAAA[TTAGACT>A]GGCTGTAAAAGAGAACAAAAGCAATAAAAAAAAAAAATGGACAAAAGGTACAAAATTTTC-3'

ClinVar aggregate classification (germline): Uncertain significance (1 of 4 stars; one submission).

Submission:

Women's Health and Genetics/Laboratory Corporation of America, LabCorp
Classification: Uncertain significance. Last evaluated: 2025-09-12. Review status: criteria provided, single submitter. Criteria: LabCorp Variant Classification Summary - May 2015. Collection method: clinical testing. Allele origin: germline.
Comment: Variant summary: TBCK c.1223_1229delinsT (p.Gln408_Asn410delinsLeu) results in an in-frame deletion-insertion that is predicted to delete three amino acids from the protein and also insert in one amino acid. Consensus agreement among computation tools predict no significant impact on normal splicing. However, these predictions have yet to be confirmed by functional studies. The variant was absent in 183626 control chromosomes (gnomAD). The available data on variant occurrences in the general population are insufficient to allow any conclusion about variant significance. To our knowledge, no occurrence of c.1223_1229delinsT in individuals affected with TBCK-related conditions and no experimental evidence demonstrating its impact on protein function have been reported. No submitters have cited clinical-significance assessments for this variant to ClinVar. Based on the evidence outlined above, the variant was classified as uncertain significance.